The following is an entry in ClinVar:

ClinVar aggregate classification (germline): Pathogenic (1 of 4 stars; one submission).

Conditions:
Perlman syndrome (PRLMNS). Identifiers: Orphanet 2849, MedGen C0796113, MONDO:0009965, OMIM 267000.

Submission:

Labcorp Genetics (formerly Invitae), Labcorp
Classification: Pathogenic for Perlman syndrome. Last evaluated: 2023-10-10. Review status: criteria provided, single submitter. Criteria: Invitae Variant Classification Sherloc (09022015). Collection method: clinical testing. Allele origin: germline.
Comment: This variant is a gross deletion of the genomic region encompassing exon(s) 2-6 of the DIS3L2 gene, which includes the initiator codon. This deletion extends beyond the assayed region for this gene and therefore may encompass additional genes. It is expected to result in an absent or disrupted protein product. Loss-of-function variants in DIS3L2 are known to be pathogenic (PMID: 22306653, 28328139). This variant has not been reported in the literature in individuals affected with DIS3L2-related conditions. For these reasons, this variant has been classified as Pathogenic.

Literature cited by the submitters: PubMed 22306653; PubMed 28328139.

NC_000002.11:g.(?_232879638)_(232952441_?)del

Gene: DIS3L2 (DIS3 like 3'-5' exoribonuclease 2; plus strand). Cytogenetic location: 2q37.1.
Variant type: Deletion.
Identifiers: ClinVar variation 1071531 (VCV001071531.3).